The following is an entry in ClinVar:

ClinVar aggregate classification (germline): Uncertain significance. Review status: criteria provided, multiple submitters, no conflicts (2 of 4 stars). 3 submissions from 3 submitters: Uncertain significance (3). Last evaluated 2025-11-03.

Conditions:
Nonsyndromic genetic hearing loss. Also called: Nonsyndromic hearing loss and deafness; Nonsyndromic genetic deafness; Non-syndromic genetic deafness. Identifiers: Orphanet 87884, MedGen C5680182, MONDO:0019497.

gnomAD v4.1: 40 of 1,613,348 alleles (0.0025%); highest among the groups gnomAD compares: African/African-American, 0.032%; no homozygotes.

Submissions (3):

Labcorp Genetics (formerly Invitae), Labcorp
Classification: Uncertain significance. Last evaluated: 2025-11-03. Review status: criteria provided, single submitter. Criteria: Invitae Variant Classification Sherloc (09022015). Collection method: clinical testing. Allele origin: germline.
Comment: This sequence change replaces arginine, which is basic and polar, with tryptophan, which is neutral and slightly polar, at codon 227 of the DIABLO protein (p.Arg227Trp). This variant is present in population databases (rs371241484, gnomAD 0.04%), and has an allele count higher than expected for a pathogenic variant. This variant has not been reported in the literature in individuals affected with DIABLO-related conditions. ClinVar contains an entry for this variant (Variation ID: 3501771). An algorithm developed to predict the effect of missense changes on protein structure and function (PolyPhen-2) suggests that this variant is likely to be disruptive. In summary, the available evidence is currently insufficient to determine the role of this variant in disease. Therefore, it has been classified as a Variant of Uncertain Significance.

Ambry Genetics
Classification: Uncertain significance. Last evaluated: 2024-08-21. Review status: criteria provided, single submitter. Criteria: Ambry Variant Classification Scheme 2023. Collection method: clinical testing. Allele origin: germline.

Department of Pathology and Laboratory Medicine, Sinai Health System
Classification: Uncertain significance for nonsyndromic genetic hearing loss. Last evaluated: 2021-07-30. Review status: criteria provided, single submitter. Criteria: ACMG Guidelines, 2015. Collection method: research. Allele origin: germline.

NM_001371333.1(DIABLO):c.679C>T (p.Arg227Trp)

Genes: B3GNT4 (UDP-GlcNAc:betaGal beta-1,3-N-acetylglucosaminyltransferase 4; plus strand), DIABLO (diablo IAP-binding mitochondrial protein; minus strand). Cytogenetic location: 12q24.31.
Variant type: single nucleotide variant.
Coding change: c.679C>T on transcript NM_001371333.1 (MANE Select); coding-DNA position 679, C replaced by T.
Protein change: p.Arg227Trp; replaces arginine 227 with tryptophan.
Molecular consequence: missense variant. On other transcripts: 3 prime UTR variant (2).
Genome position (GRCh38, 1-based): chr12:122,208,422, G>A on the plus strand (C>T on the coding strand, the complement: DIABLO is on the minus strand). VCF-style: chr12-122208422-G-A. GRCh37 (hg19) VCF-style: chr12-122692969-G-A.
Other names: c.388C>T, p.Arg130Trp (NM_001278302.1); c.460C>T, p.Arg154Trp (NM_001278303.1); c.520C>T, p.Arg174Trp (NM_001278304.2, NM_138930.3); c.547C>T, p.Arg183Trp (NM_001278342.1); c.679C>T, p.Arg227Trp (NM_019887.6); c.*1034G>A (NM_001330492.2, NM_030765.4); short protein forms R130W, R174W, R183W, R227W, R154W.
Identifiers: ClinVar variation 3501771 (VCV003501771.3).